The following is an entry in ClinVar:

NM_016222.4(DDX41):c.44A>C (p.Glu15Ala)

Gene: DDX41 (DEAD-box helicase 41; minus strand). Cytogenetic location: 5q35.3.
Variant type: single nucleotide variant.
Coding change: c.44A>C on transcript NM_016222.4 (MANE Select); coding-DNA position 44, A replaced by C.
Protein change: p.Glu15Ala; replaces glutamic acid 15 with alanine.
Molecular consequence: missense variant. On other transcripts: 5 prime UTR variant (2).
Genome position (GRCh38, 1-based): chr5:177,516,819, T>G on the plus strand (A>C on the coding strand, the complement: DDX41 is on the minus strand). VCF-style: chr5-177516819-T-G. GRCh37 (hg19) VCF-style: chr5-176943820-T-G.
Other names: c.-612A>C (NM_001321732.2); c.-404A>C (NM_001321830.2); short protein forms E15A.
Identifiers: ClinVar variation 3500550 (VCV003500550.1).

ClinVar aggregate classification (germline): Uncertain significance (1 of 4 stars; one submission).

Conditions:
Inborn genetic diseases. Identifiers: MedGen C0950123, MeSH D030342.

gnomAD v4.1: 1 of 1,612,522 alleles (0.000062%); highest among the groups gnomAD compares: Admixed American, 0.0017%; no homozygotes.

Submission:

Ambry Genetics
Classification: Uncertain significance for Inborn genetic diseases. Last evaluated: 2024-12-06. Review status: criteria provided, single submitter. Criteria: Ambry Variant Classification Scheme 2023. Collection method: clinical testing. Allele origin: germline.
Comment: The p.E15A variant (also known as c.44A>C), located in coding exon 2 of the DDX41 gene, results from an A to C substitution at nucleotide position 44. The glutamic acid at codon 15 is replaced by alanine, an amino acid with dissimilar properties. This amino acid position is conserved. In addition, this alteration is predicted to be tolerated by in silico analysis. Based on the available evidence, the clinical significance of this variant remains unclear.